The following is an entry in ClinVar:

NM_007192.4(SUPT16H):c.83A>T (p.Tyr28Phe)

Gene: SUPT16H (SPT16 homolog, facilitates chromatin remodeling subunit; minus strand). Cytogenetic location: 14q11.2.
Variant type: single nucleotide variant.
Coding change: c.83A>T on transcript NM_007192.4 (MANE Select); coding-DNA position 83, A replaced by T.
Protein change: p.Tyr28Phe; replaces tyrosine 28 with phenylalanine.
Molecular consequence: missense variant.
Genome position (GRCh38, 1-based): chr14:21,373,414, T>A on the plus strand (A>T on the coding strand, the complement: SUPT16H is on the minus strand). VCF-style: chr14-21373414-T-A. GRCh37 (hg19) VCF-style: chr14-21841573-T-A.
Other names: short protein forms Y28F.
Identifiers: ClinVar variation 5002971 (VCV005002971.1).

ClinVar aggregate classification (germline): Uncertain significance (1 of 4 stars; one submission).

Conditions:
Neurodevelopmental disorder with dysmorphic facies and thin corpus callosum. Identifiers: MedGen C5551361, MONDO:0859179, OMIM 619480.

gnomAD v4.1: 8 of 1,614,020 alleles (0.0005%); highest among the groups gnomAD compares: East Asian, 0.0022%; no homozygotes.

Submission:

OLLIN Analises Genomicas, OLLIN
Classification: Uncertain significance for Neurodevelopmental disorder with dysmorphic facies and thin corpus callosum. Last evaluated: 2026-08-06. Review status: criteria provided, single submitter. Criteria: ACMG Guidelines 2015 PMID 25741868. Collection method: clinical testing. Allele origin: germline.
Comment: This missense variant, located in exon 2 (of 26), has been observed in gnomAD with an allele frequency of 0.0005%, but has not been reported in ClinVar or identified in the literature. In silico analysis predicts that this variant has a tolerated effect. According to the currently available evidence, this variant has been classified as uncertain significance (BP4_M).